The following is an entry in ClinVar:

ClinVar aggregate classification (germline): Likely benign (1 of 4 stars; one submission).

Allele frequency attached by ClinVar (database versions not stated): gnomAD 0.00005; ESP Exome Variant Server 0.00008; TOPMed 0.00012.
gnomAD v4.1: 26 of 1,612,292 alleles (0.0016%); highest among the groups gnomAD compares: African/African-American, 0.029%; no homozygotes.

Submission:

CeGaT Center for Human Genetics Tuebingen
Classification: Likely benign. Last evaluated: 2023-02-01. Review status: criteria provided, single submitter. Criteria: CeGaT Center For Human Genetics Tuebingen Variant Classification Criteria Version 2. Collection method: clinical testing. Allele origin: germline. Affected: yes. Observed: 1 variant allele.
Comment: SLC17A8: BP4, BP7

NM_139319.3(SLC17A8):c.573G>T (p.Leu191=)

Gene: SLC17A8 (solute carrier family 17 member 8; plus strand). Cytogenetic location: 12q23.1.
Variant type: single nucleotide variant.
Coding change: c.573G>T on transcript NM_139319.3 (MANE Select); coding-DNA position 573, G replaced by T.
Protein change: p.Leu191=; no amino-acid change (leucine 191 retained).
Molecular consequence: synonymous variant.
Genome position (GRCh38, 1-based): chr12:100,393,468, G>T. VCF-style: chr12-100393468-G-T. GRCh37 (hg19) VCF-style: chr12-100787246-G-T.
Other names: c.573G>T, p.Leu191= (NM_001145288.2).
Identifiers: ClinVar variation 2643232 (VCV002643232.24), dbSNP rs145190556, ClinGen allele CA6738784.